The following is an entry in ClinVar:

NM_000202.8(IDS):c.263G>C (p.Arg88Pro)

Gene: IDS (iduronate 2-sulfatase; minus strand). Cytogenetic location: Xq28.
Variant type: single nucleotide variant.
Coding change: c.263G>C on transcript NM_000202.8 (MANE Select); coding-DNA position 263, G replaced by C.
Protein change: p.Arg88Pro; replaces arginine 88 with proline.
Molecular consequence: missense variant. On other transcripts: non-coding transcript variant (1), intron variant (1).
Genome position (GRCh38, 1-based): chrX:149,503,467, C>G on the plus strand (G>C on the coding strand, the complement: IDS is on the minus strand). VCF-style: chrX-149503467-C-G. GRCh37 (hg19) VCF-style: chrX-148584997-C-G.
Other names: c.263G>C, p.Arg88Pro (NM_006123.5); c.15-22G>C (NM_001166550.4); short protein forms R88P.
Identifiers: ClinVar variation 3255644 (VCV003255644.2).
Genomic context (GRCh38, chrX:149,503,467, plus strand): 5'-TAGGAGTTGAAGTCGTACAGGCGGGTGGTGTCAGGTCTCCTGCCAGTGAGGAAAGAAACG[C>G]GGCTCGGGGCGCACACTGCTTGCTGTTAGGGAGCAGAAGCAGAGGTAAGCATCGCCACAG-3'
Protein context (NP_000193.1, residues 78-98): FAQQAVCAPS[Arg88Pro]VSFLTGRRPD

ClinVar aggregate classification (germline): Pathogenic (1 of 4 stars; one submission).

Conditions:
Mucopolysaccharidosis, MPS-II (MPS2). Also called: Hunter Syndrome; IDURONATE 2-SULFATASE DEFICIENCY; Mucopolysaccharidosis Type II; Mucopolysaccharidosis type 2; Attenuated MPS (subtype; formerly known as mild MPS II); Severe MPS II. Identifiers: Orphanet 580, Orphanet 79388, MedGen C0026705, MONDO:0010674, OMIM 309900.

Submission:

Laboratory of Diagnosis and Therapy of Lysosomal Disorders, University of Padova
Classification: Pathogenic for Mucopolysaccharidosis, MPS-II. Last evaluated: 2024-06-07. Review status: criteria provided, single submitter. Criteria: ACMG Guidelines, 2015. Collection method: literature only. Allele origin: germline. Affected: yes. Observed: 8 variant alleles.
Comment: Prevalence of the variant significantly increased in affected individuals compared with controls (PS4_Supporting), Located in a mutational hot spot and/or critical functional domain (PM1_Moderate), Absent from controls (or at low frequency) in gnomAD database (PM2_Moderate), Cosegregation with disease in multiple affected family members (PP1_Moderate), Missense variant in a gene with a low rate of benign missense variation (PP2_Supporting), Multiple lines of computational evidence support a deleterious effect (PP3_Supporting), Patient’s phenotype or family history highly specific for the disease (PP4_Strong)

Classification method: ACMG Guidelines [PMID:25741868] with modifications

Literature cited by the submitters: PubMed 10215411; PubMed 21605424; PubMed 32448126; PubMed 11462244; PubMed 33676511; PubMed 30639582.